The following is an entry in ClinVar:

NM_001365999.1(SZT2):c.8429G>T (p.Arg2810Leu)

Gene: SZT2 (SZT2 subunit of KICSTOR complex; plus strand). Cytogenetic location: 1p34.2.
Variant type: single nucleotide variant.
Coding change: c.8429G>T on transcript NM_001365999.1 (MANE Select); coding-DNA position 8429, G replaced by T.
Protein change: p.Arg2810Leu; replaces arginine 2810 with leucine.
Molecular consequence: missense variant.
Genome position (GRCh38, 1-based): chr1:43,443,197, G>T. VCF-style: chr1-43443197-G-T. GRCh37 (hg19) VCF-style: chr1-43908868-G-T.
Other names: c.8258G>T, p.Arg2753Leu (NM_015284.4); short protein forms R2753L, R2810L.
Identifiers: ClinVar variation 450661 (VCV000450661.2), dbSNP rs777359508, ClinGen allele CA340039036.
Genomic context (GRCh38, chr1:43,443,197, plus strand): 5'-AGGAAGGGAGTGACAATGCCTGGGGCTACTACTAATGCCCTCAACCCTCAGAGCTGGAGC[G>T]CCAGATGAAGATGGAAAACCTGTTTGTAACCTGGCAGCAGCGTTCTACCCCAGCCACCAT-3'
Protein context (NP_001352928.1, residues 2800-2820): IKMAERRELE[Arg2810Leu]QMKMENLFVT

ClinVar aggregate classification (germline): Uncertain significance (1 of 4 stars; one submission).

gnomAD v4.1: 1 of 1,614,164 alleles (0.000062%); highest among the groups gnomAD compares: African/African-American, 0.0013%; no homozygotes.

Submission:

GeneDx
Classification: Uncertain significance. Last evaluated: 2017-07-19. Review status: criteria provided, single submitter. Criteria: GeneDx Variant Classification (06012015). Collection method: clinical testing. Allele origin: germline. Affected: yes.
Comment: The R2753L variant in the SZT2 gene has not been reported previously as a pathogenic variant, nor as a benign variant, to our knowledge. The R2753L variant is not observed in large population cohorts (Lek et al., 2016; 1000 Genomes Consortium et al., 2015; Exome Variant Server). The R2753L variant is a non-conservative amino acid substitution, which is likely to impact secondary protein structure as these residues differ in polarity, charge, size and/or other properties. This substitution occurs at a position where amino acids with similar properties to Arginine are tolerated across species. In silico analysis is inconsistent in its predictions as to whether or not the variant is damaging to the protein structure/function. We interpret R2753L as a variant of uncertain significance.